The following is an entry in ClinVar:

NM_000037.4(ANK1):c.6dup (p.Tyr3fs)

Gene: ANK1 (ankyrin 1; minus strand). Cytogenetic location: 8p11.21.
Variant type: Duplication.
Coding change: c.6dup on transcript NM_000037.4 (MANE Select); coding-DNA position 6, one base duplicated (C; older notation c.6dupC).
Protein change: p.Tyr3fs; shifts the reading frame from tyrosine 3.
Molecular consequence: frameshift variant. On other transcripts: intron variant (1).
Genome position (GRCh38, 1-based): chr8:41,797,533, G duplicated on the plus strand (C on the coding strand, the reverse complement: ANK1 is on the minus strand); the first of 3 consecutive G bases (chr8:41,797,533-41,797,535); duplicating any one gives the same sequence. VCF-style (leftmost placement, unchanged base first): chr8-41797532-A-AG. GRCh37 (hg19) VCF-style: chr8-41655050-A-AG.
Other names: c.6dup, p.Tyr3fs (NM_020475.3, NM_020476.3, NM_020477.3); c.127-39396dup (NM_001142446.2); short protein forms Y3fs.
Identifiers: ClinVar variation 2690520 (VCV002690520.4), dbSNP rs2487374176, ClinGen allele CA2697549893.

ClinVar aggregate classification (germline): Pathogenic/Likely pathogenic. Review status: criteria provided, multiple submitters, no conflicts (2 of 4 stars). 2 submissions from 2 submitters: Pathogenic (1); Likely pathogenic (1). Last evaluated 2023-05-15.

Conditions:
Hereditary spherocytosis type 1. Also called: Spherocytosis type 1; ANK1-Related Spherocytosis. Identifiers: Orphanet 822, MedGen C2674218, MONDO:0008447, OMIM 182900.

Submissions (2):

Revvity Omics, Revvity
Classification: Likely pathogenic for Hereditary spherocytosis type 1. Last evaluated: 2023-05-15. Review status: criteria provided, single submitter. Criteria: ACMG Guidelines, 2015. Collection method: clinical testing. Allele origin: germline.

Juno Genomics, Hangzhou Juno Genomics, Inc
Classification: Pathogenic for Hereditary spherocytosis type 1. Review status: criteria provided, single submitter. Criteria: ACMG Guidelines, 2015. Collection method: clinical testing. Allele origin: germline. Affected: yes.
Comment: Absent from controls (or at extremely low frequency if recessive) in Genome Aggregation Database, Exome Sequencing Project, 1000 Genomes Project, or Exome Aggregation Consortium.;Null variant in a gene where loss of function (LOF) is a known mechanism of disease.